The following is an entry in ClinVar:

NM_000077.5(CDKN2A):c.151-5G>T

Gene: CDKN2A (cyclin dependent kinase inhibitor 2A; minus strand). Cytogenetic location: 9p21.3.
Variant type: single nucleotide variant.
Coding change: c.151-5G>T on transcript NM_000077.5 (MANE Select); 5 bases into the intron before coding-DNA position 151, G replaced by T.
Molecular consequence: intron variant.
Genome position (GRCh38, 1-based): chr9:21,971,213, C>A on the plus strand (G>T on the coding strand, the complement: CDKN2A is on the minus strand). VCF-style: chr9-21971213-C-A. GRCh37 (hg19) VCF-style: chr9-21971212-C-A.
Other names: c.-3-5G>T (NM_001363763.2); c.194-5G>T (NM_058195.4); c.151-5G>T (NM_001195132.2); c.*74-5G>T (NM_058197.5).
Identifiers: ClinVar variation 1774310 (VCV001774310.3), dbSNP rs1203938364, ClinGen allele CA862171120.
Genomic context (GRCh38, chr9:21,971,213, plus strand): 5'-TCCGCGCCGTGGAGCAGCAGCAGCTCCGCCACTCGGGCGCTGCCCATCATCATGACCTGC[C>A]AGAGAGAACAGAATGGTCAGAGCCAGGGTGGGGGCCGGCATGACGGAAAGGAAGCTTGTG-3'

ClinVar aggregate classification (germline): Uncertain significance (1 of 4 stars; one submission).

Conditions:
Hereditary cancer-predisposing syndrome. Also called: Hereditary neoplastic syndrome; Neoplastic Syndromes, Hereditary; Tumor predisposition; Hereditary Cancer Syndrome. Identifiers: Orphanet 140162, MedGen C0027672, MeSH D009386, MONDO:0015356.

Allele frequency attached by ClinVar (database versions not stated): TOPMed below 0.00001.

Submission:

Ambry Genetics
Classification: Uncertain significance for Hereditary cancer-predisposing syndrome. Last evaluated: 2026-02-02. Review status: criteria provided, single submitter. Criteria: Ambry Variant Classification Scheme 2023. Collection method: clinical testing. Allele origin: germline.
Comment: The c.151-5G>T intronic variant results from a G to T substitution 5 nucleotides upstream from coding exon 2 in the CDKN2A gene. This nucleotide position is not well conserved in available vertebrate species. In silico splice site analysis predicts that this alteration will not have any significant effect on splicing. Based on the available evidence, the clinical significance of this variant remains unclear.